The following is an entry in ClinVar:

ClinVar aggregate classification (germline): Pathogenic. Review status: criteria provided, multiple submitters, no conflicts (2 of 4 stars). 4 submissions from 4 submitters: Pathogenic (4). Last evaluated 2025-03-31.

Conditions:
Cobalamin C disease. Also called: Cobalamin-C methylmalonic acidemia and homocystinuria; Methylmalonic acidemia and homocystinuria cblC type; methylmalonic aciduria and homocystinuria type cblC; Methylmalonic aciduria and homocystinuria, Vitamin B12-responsive; Vitamin B12 metabolic defect with combined deficiency of methylmalonyl-CoA mutase and homocysteine:methyltetrahydrofolate methyltransferase; Methylmalonic aciduria with homocystinuria cblC type. Identifiers: Orphanet 26, Orphanet 79282, MedGen C1848561, MONDO:0010184, OMIM 277400.
Methylmalonic aciduria and homocystinuria type cblD (MAHCD). Also called: METHYLMALONIC ACIDEMIA, cblH TYPE; Methylmalonic aciduria with homocystinuria cblD type. Identifiers: Orphanet 622, Orphanet 79283, MedGen C1848552, MONDO:0010185, OMIM 277410.

Allele frequency attached by ClinVar (database versions not stated): gnomAD exomes below 0.00001 and 0.00001; TOPMed below 0.00001.
gnomAD v4.1: 12 of 1,602,126 alleles (0.00075%); highest among the groups gnomAD compares: Non-Finnish European, 0.001%; no homozygotes.

Submissions (4):

Natera, Inc.
Classification: Pathogenic for Methylmalonic aciduria with homocystinuria cblD type. Last evaluated: 2025-03-31. Review status: criteria provided, single submitter. Criteria: Natera Variant Classification Schema (03/2026). Collection method: clinical testing. Allele origin: germline.
Comment: The c.472C>T variant in MMADHC is a nonsense variant predicted to introduce a stop codon at amino acid 158. This variant is expected to result in nonsense mediated decay, truncation, or a dysfunctional protein product. This variant is rare in the general population with a frequency below the threshold expected for the associated phenotype(s). This variant has been observed in one or more individuals affected with the associated recessive disease, as either homozygous or compound heterozygous with a second variant (PMID: 39494389, 30097992). Given the available evidence, this variant is classified as Pathogenic.

Labcorp Genetics (formerly Invitae), Labcorp
Classification: Pathogenic for Methylmalonic aciduria and homocystinuria type cblD. Last evaluated: 2023-10-23. Review status: criteria provided, single submitter. Criteria: Invitae Variant Classification Sherloc (09022015). Collection method: clinical testing. Allele origin: germline.
Comment: This sequence change creates a premature translational stop signal (p.Arg158*) in the MMADHC gene. It is expected to result in an absent or disrupted protein product. Loss-of-function variants in MMADHC are known to be pathogenic (PMID: 18385497). This variant is present in population databases (no rsID available, gnomAD 0.0009%). This premature translational stop signal has been observed in individual(s) with cobalamin D deficiency (PMID: 33552904). ClinVar contains an entry for this variant (Variation ID: 265247). For these reasons, this variant has been classified as Pathogenic.

Women's Health and Genetics/Laboratory Corporation of America, LabCorp
Classification: Pathogenic for Cobalamin C disease. Last evaluated: 2023-02-17. Review status: criteria provided, single submitter. Criteria: LabCorp Variant Classification Summary - May 2015. Collection method: clinical testing. Allele origin: germline.
Comment: Variant summary: MMADHC c.472C>T (p.Arg158X) results in a premature termination codon, predicted to cause a truncation of the encoded protein or absence of the protein due to nonsense mediated decay, which are commonly known mechanisms for disease. Truncations downstream of this position have reported in HGMD in association with Methylmalonic aciduria & homocystinuria, cblD type. The variant allele was found at a frequency of 4e-06 in 251302 control chromosomes. c.472C>T has been reported in the literature in individuals affected with Methylmalonic Acidemia With Homocystinuria. These data indicate that the variant may be associated with disease. To our knowledge, no experimental evidence demonstrating an impact on protein function has been reported. Two clinical diagnostic laboratories have submitted clinical-significance assessments for this variant to ClinVar after 2014 without evidence for independent evaluation. All laboratories classified the variant as pathogenic. Based on the evidence outlined above, the variant was classified as pathogenic.

GeneDx
Classification: Pathogenic. Last evaluated: 2020-01-03. Review status: criteria provided, single submitter. Criteria: GeneDx Variant Classification Process June 2021. Collection method: clinical testing. Allele origin: germline. Affected: yes.
Comment: Nonsense variant predicted to result in protein truncation or nonsense mediated decay in a gene for which loss-of-function is a known mechanism of disease; Not observed at a significant frequency in large population cohorts (Lek et al., 2016); This variant is associated with the following publications: (PMID: 29681622)

Literature cited by the submitters: PubMed 39494389 (cited by Natera, Inc.); PubMed 30097992 (cited by Natera, Inc.); PubMed 18385497 (cited by Labcorp Genetics (formerly Invitae), Labcorp); PubMed 33552904 (cited by Labcorp Genetics (formerly Invitae), Labcorp); PubMed 32252256 (cited by Women's Health and Genetics/Laboratory Corporation of America, LabCorp).

NM_015702.3(MMADHC):c.472C>T (p.Arg158Ter)

Gene: MMADHC (metabolism of cobalamin associated D; minus strand). Cytogenetic location: 2q23.2.
Variant type: single nucleotide variant.
Coding change: c.472C>T on transcript NM_015702.3 (MANE Select); coding-DNA position 472, C replaced by T.
Protein change: p.Arg158Ter; replaces arginine 158 with a stop codon.
Molecular consequence: nonsense.
Genome position (GRCh38, 1-based): chr2:149,576,443, G>A on the plus strand (C>T on the coding strand, the complement: MMADHC is on the minus strand). VCF-style: chr2-149576443-G-A. GRCh37 (hg19) VCF-style: chr2-150432957-G-A.
Other names: short protein forms R158*.
Identifiers: ClinVar variation 265247 (VCV000265247.12), dbSNP rs886039425, ClinGen allele CA10588310.